The following is an entry in ClinVar:

NM_001212.4(C1QBP):c.381A>G (p.Glu127=)

Gene: C1QBP (complement C1q binding protein; minus strand). Cytogenetic location: 17p13.2.
Variant type: single nucleotide variant.
Coding change: c.381A>G on transcript NM_001212.4 (MANE Select); coding-DNA position 381, A replaced by G.
Protein change: p.Glu127=; no amino-acid change (glutamic acid 127 retained).
Molecular consequence: synonymous variant.
Genome position (GRCh38, 1-based): chr17:5,438,125, T>C on the plus strand (A>G on the coding strand, the complement: C1QBP is on the minus strand). VCF-style: chr17-5438125-T-C. GRCh37 (hg19) VCF-style: chr17-5341445-T-C.
Other names: c.381A>G (NM_001212.3).
Identifiers: ClinVar variation 2166487 (VCV002166487.7), dbSNP rs147570656, ClinGen allele CA8325320.

ClinVar aggregate classification (germline): Likely benign. Review status: criteria provided, multiple submitters, no conflicts (2 of 4 stars). 3 submissions from 3 submitters: Likely benign (2). 1 of the submissions does not count toward it. Last evaluated 2025-12-25.

Conditions:
C1QBP-related disorder. Also called: C1QBP-related condition.

Allele frequency attached by ClinVar (database versions not stated): gnomAD exomes 0.00004; ExAC 0.00006; ESP Exome Variant Server 0.00023; gnomAD 0.00029; TOPMed 0.00031.

Submissions (3):

Labcorp Genetics (formerly Invitae), Labcorp
Classification: Likely benign. Last evaluated: 2025-12-25. Review status: criteria provided, single submitter. Criteria: Invitae Variant Classification Sherloc (09022015). Collection method: clinical testing. Allele origin: germline.

Blueprint Genetics
Classification: Likely benign. Last evaluated: 2024-01-30. Review status: criteria provided, single submitter. Criteria: ACMG Guidelines, 2015. Collection method: clinical testing. Allele origin: germline.

PreventionGenetics, part of Exact Sciences
Classification: Likely benign for C1QBP-related condition. Last evaluated: 2019-04-09. Review status: no assertion criteria provided. Collection method: clinical testing. Allele origin: germline. Not counted in ClinVar's aggregate classification.
Comment: This variant is classified as likely benign based on ACMG/AMP sequence variant interpretation guidelines (Richards et al. 2015 PMID: 25741868, with internal and published modifications).